The following is an entry in ClinVar:

ClinVar aggregate classification (germline): Uncertain significance. Review status: criteria provided, multiple submitters, no conflicts (2 of 4 stars). 3 submissions from 3 submitters: Uncertain significance (2). 1 of the submissions does not count toward it. Last evaluated 2024-12-05.

Conditions:
Breast-ovarian cancer, familial, susceptibility to, 1 (BROVCA1). Also called: BRCA1 Hereditary Breast and Ovarian Cancer; OVARIAN CANCER, SUSCEPTIBILITY TO. Identifiers: Orphanet 145, MedGen C2676676, MONDO:0011450, OMIM 604370. Disease mechanism: loss of function.
Hereditary cancer-predisposing syndrome. Also called: Hereditary Cancer Syndrome; Hereditary neoplastic syndrome; Neoplastic Syndromes, Hereditary; Tumor predisposition. Identifiers: Orphanet 140162, MedGen C0027672, MeSH D009386, MONDO:0015356.
Hereditary breast ovarian cancer syndrome. Also called: BRCA1- and BRCA2-Associated Hereditary Breast and Ovarian Cancer; Hereditary breast and ovarian cancer syndrome; Hereditary breast and ovarian cancer syndrome (HBOC); Breast and ovarian cancer; Hereditary breast and/or ovarian cancer syndrome; Hereditary breast and ovarian cancer. Identifiers: Orphanet 145, MedGen C0677776, MeSH D061325, MONDO:0003582. Disease mechanism: loss of function.

Allele frequency attached by ClinVar (database versions not stated): gnomAD exomes below 0.00001.
gnomAD v4.1: 1 of 1,614,202 alleles (0.000062%); highest among the groups gnomAD compares: Non-Finnish European, 0.000085%; no homozygotes.

Submissions (3):

Ambry Genetics
Classification: Uncertain significance for Hereditary cancer-predisposing syndrome. Last evaluated: 2024-12-05. Review status: criteria provided, single submitter. Criteria: Ambry Variant Classification Scheme 2023. Collection method: clinical testing. Allele origin: germline.
Comment: The p.L1404P variant (also known as c.4211T>C), located in coding exon 11 of the BRCA1 gene, results from a T to C substitution at nucleotide position 4211. The leucine at codon 1404 is replaced by proline, an amino acid with similar properties. This amino acid position is highly conserved in available vertebrate species. In addition, this alteration is predicted to be deleterious by in silico analysis. Based on the available evidence, the clinical significance of this variant remains unclear.

Labcorp Genetics (formerly Invitae), Labcorp
Classification: Uncertain significance for Hereditary breast ovarian cancer syndrome. Last evaluated: 2021-10-25. Review status: criteria provided, single submitter. Criteria: Invitae Variant Classification Sherloc (09022015). Collection method: clinical testing. Allele origin: germline.
Comment: In summary, the available evidence is currently insufficient to determine the role of this variant in disease. Therefore, it has been classified as a Variant of Uncertain Significance. Experimental studies have shown that this missense change affects BRCA1 function (PMID: 28781887). Advanced modeling of protein sequence and biophysical properties (such as structural, functional, and spatial information, amino acid conservation, physicochemical variation, residue mobility, and thermodynamic stability) performed at Invitae indicates that this missense variant is not expected to disrupt BRCA1 protein function. ClinVar contains an entry for this variant (Variation ID: 55143). This missense change has been observed in individual(s) with the breast cancer (PMID: 10923033). This variant is not present in population databases (gnomAD no frequency). This sequence change replaces leucine, which is neutral and non-polar, with proline, which is neutral and non-polar, at codon 1404 of the BRCA1 protein (p.Leu1404Pro).

Breast Cancer Information Core (BIC) (BRCA1)
Classification: Uncertain significance for Breast-ovarian cancer, familial 1. Last evaluated: 2003-12-23. Review status: no assertion criteria provided. Collection method: clinical testing. Allele origin: germline. Affected: yes. Observed: 1 variant allele. Not counted in ClinVar's aggregate classification.

Literature cited by the submitters: PubMed 28781887 (cited by Labcorp Genetics (formerly Invitae), Labcorp); PubMed 10923033 (cited by Labcorp Genetics (formerly Invitae), Labcorp).

NM_007294.4(BRCA1):c.4211T>C (p.Leu1404Pro)

Gene: BRCA1 (BRCA1 DNA repair associated; minus strand). Cytogenetic location: 17q21.31.
Variant type: single nucleotide variant.
Coding change: c.4211T>C on transcript NM_007294.4 (MANE Select); coding-DNA position 4211, T replaced by C.
Protein change: p.Leu1404Pro; replaces leucine 1404 with proline.
Molecular consequence: missense variant. On other transcripts: non-coding transcript variant (1).
Genome position (GRCh38, 1-based): chr17:43,082,550, A>G on the plus strand (T>C on the coding strand, the complement: BRCA1 is on the minus strand). VCF-style: chr17-43082550-A-G. GRCh37 (hg19) VCF-style: chr17-41234567-A-G.
Other names: c.4088T>C, p.Leu1363Pro (NM_001407669.1, NM_001407677.1, NM_001407678.1 and 13 more transcripts); c.4085T>C, p.Leu1362Pro (NM_001407670.1, NM_001407671.1, NM_001407672.1 and 12 more transcripts); c.4211T>C, p.Leu1404Pro (NM_001407605.1, NM_001407616.1, NM_001407617.1 and 23 more transcripts); c.4208T>C, p.Leu1403Pro (NM_001407610.1, NM_001407611.1, NM_001407612.1 and 21 more transcripts); c.4205T>C, p.Leu1402Pro (NM_001407628.1, NM_001407629.1, NM_001407630.1 and 5 more transcripts); c.4133T>C, p.Leu1378Pro (NM_001407653.1, NM_001407654.1, NM_001407655.1 and 2 more transcripts); c.4130T>C, p.Leu1377Pro (NM_001407656.1, NM_001407661.1, NM_001407662.1 and 1 more transcripts); c.4127T>C, p.Leu1376Pro (NM_001407659.1, NM_001407660.1); and 51 more; short protein forms L1404P, L1357P, L301P, L1316P, L1333P, L1378P, L1400P, L1402P.
Identifiers: ClinVar variation 55143 (VCV000055143.16), dbSNP rs80356916, ClinGen allele CA002713.